The following is an entry in ClinVar:

NM_001291303.3(FAT4):c.13634C>A (p.Pro4545Gln)

Gene: FAT4 (FAT atypical cadherin 4; plus strand). Cytogenetic location: 4q28.1.
Variant type: single nucleotide variant.
Coding change: c.13634C>A on transcript NM_001291303.3 (MANE Select); coding-DNA position 13634, C replaced by A.
Protein change: p.Pro4545Gln; replaces proline 4545 with glutamine.
Molecular consequence: missense variant.
Genome position (GRCh38, 1-based): chr4:125,490,450, C>A. VCF-style: chr4-125490450-C-A. GRCh37 (hg19) VCF-style: chr4-126411605-C-A.
Other names: c.13631C>A, p.Pro4544Gln (NM_001291285.3); c.13628C>A, p.Pro4543Gln (NM_024582.6); short protein forms P4543Q, P4544Q, P4545Q.
Identifiers: ClinVar variation 2002726 (VCV002002726.4), dbSNP rs200092854, ClinGen allele CA358137350.

ClinVar aggregate classification (germline): Uncertain significance (1 of 4 stars; one submission).

gnomAD v4.1: 10 of 1,613,966 alleles (0.00062%); highest among the groups gnomAD compares: Middle Eastern, 0.033%; no homozygotes.

Submission:

Labcorp Genetics (formerly Invitae), Labcorp
Classification: Uncertain significance. Last evaluated: 2024-03-04. Review status: criteria provided, single submitter. Criteria: Invitae Variant Classification Sherloc (09022015). Collection method: clinical testing. Allele origin: germline.
Comment: This sequence change replaces proline, which is neutral and non-polar, with glutamine, which is neutral and polar, at codon 4543 of the FAT4 protein (p.Pro4543Gln). This variant is not present in population databases (gnomAD no frequency). This variant has not been reported in the literature in individuals affected with FAT4-related conditions. ClinVar contains an entry for this variant (Variation ID: 2002726). Advanced modeling of protein sequence and biophysical properties (such as structural, functional, and spatial information, amino acid conservation, physicochemical variation, residue mobility, and thermodynamic stability) performed at Invitae indicates that this missense variant is not expected to disrupt FAT4 protein function with a negative predictive value of 80%. In summary, the available evidence is currently insufficient to determine the role of this variant in disease. Therefore, it has been classified as a Variant of Uncertain Significance.